The following is an entry in ClinVar:

ClinVar aggregate classification (germline): Uncertain significance (1 of 4 stars; one submission).

Allele frequency attached by ClinVar (database versions not stated): ExAC 0.00001; gnomAD exomes 0.00001; ESP Exome Variant Server 0.00008.
gnomAD v4.1: 10 of 1,611,410 alleles (0.00062%); highest among the groups gnomAD compares: South Asian, 0.0022%; no homozygotes.

Submission:

Labcorp Genetics (formerly Invitae), Labcorp
Classification: Uncertain significance. Last evaluated: 2021-08-31. Review status: criteria provided, single submitter. Criteria: Invitae Variant Classification Sherloc (09022015). Collection method: clinical testing. Allele origin: germline.
Comment: This sequence change replaces aspartic acid with asparagine at codon 491 of the BMP1 protein (p.Asp491Asn). The aspartic acid residue is highly conserved and there is a small physicochemical difference between aspartic acid and asparagine. This variant is present in population databases (rs142036584, ExAC 0.01%). This variant has not been reported in the literature in individuals affected with BMP1-related conditions. Algorithms developed to predict the effect of missense changes on protein structure and function are either unavailable or do not agree on the potential impact of this missense change (SIFT: "Deleterious"; PolyPhen-2: "Probably Damaging"; Align-GVGD: "Class C15"). In summary, the available evidence is currently insufficient to determine the role of this variant in disease. Therefore, it has been classified as a Variant of Uncertain Significance.

NM_006129.5(BMP1):c.1471G>A (p.Asp491Asn)

Genes: BMP1 (bone morphogenetic protein 1; plus strand), LOC113788269 (BRD4-independent group 4 enhancer GRCh37_chr8:22052064-22053263; plus strand). Cytogenetic location: 8p21.3.
Variant type: single nucleotide variant.
Coding change: c.1471G>A on transcript NM_006129.5 (MANE Select); coding-DNA position 1471, G replaced by A.
Protein change: p.Asp491Asn; replaces aspartic acid 491 with asparagine.
Molecular consequence: missense variant. On other transcripts: non-coding transcript variant (2).
Genome position (GRCh38, 1-based): chr8:22,194,751, G>A. VCF-style: chr8-22194751-G-A. GRCh37 (hg19) VCF-style: chr8-22052264-G-A.
Other names: c.1471G>A, p.Asp491Asn (NM_001199.4); short protein forms D491N.
Identifiers: ClinVar variation 1469135 (VCV001469135.5), dbSNP rs142036584, ClinGen allele CA4664690.
Genomic context (GRCh38, chr8:22,194,751, plus strand): 5'-AGCCCCTTCCACTGATGAAGCCTCGACCCCTAGATTGAGCGCCACGACAGCTGTGCCTAC[G>A]ACTATCTGGAGGTGCGCGACGGGCACAGTGAGAGCAGCACCCTCATCGGGCGCTACTGTG-3'
Protein context (NP_006120.1, residues 481-501): EIERHDSCAY[Asp491Asn]YLEVRDGHSE